The following is an entry in ClinVar:

NM_005476.7(GNE):c.1747A>G (p.Ser583Gly)

Gene: GNE (glucosamine (UDP-N-acetyl)-2-epimerase/N-acetylmannosamine kinase; minus strand). Cytogenetic location: 9p13.3.
Variant type: single nucleotide variant.
Coding change: c.1747A>G on transcript NM_005476.7 (MANE Select); coding-DNA position 1747, A replaced by G.
Protein change: p.Ser583Gly; replaces serine 583 with glycine.
Molecular consequence: missense variant.
Genome position (GRCh38, 1-based): chr9:36,219,907, T>C on the plus strand (A>G on the coding strand, the complement: GNE is on the minus strand). VCF-style: chr9-36219907-T-C. GRCh37 (hg19) VCF-style: chr9-36219904-T-C.
Other names: c.1840A>G, p.Ser614Gly (NM_001128227.3); c.1525A>G, p.Ser509Gly (NM_001190383.3); c.1417A>G, p.Ser473Gly (NM_001190384.3); c.1570A>G, p.Ser524Gly (NM_001190388.2, NM_001374798.1); c.1594A>G, p.Ser532Gly (NM_001374797.1); short protein forms S532G, S509G, S524G, S614G, S473G, S583G.
Identifiers: ClinVar variation 4792705 (VCV004792705.1).

ClinVar aggregate classification (germline): Uncertain significance (1 of 4 stars; one submission).

Conditions:
Sialuria. Also called: SIALURIA, FRENCH TYPE; Sialic Acid Storage Disease. Identifiers: Orphanet 3166, MedGen C0342853, MONDO:0010028, OMIM 269921.
GNE myopathy (NM). Also called: NONAKA DISTAL MYOPATHY; INCLUSION BODY MYOPATHY, HEREDITARY, AUTOSOMAL RECESSIVE; INCLUSION BODY MYOPATHY 2, AUTOSOMAL RECESSIVE; MYOPATHY, DISTAL, WITH OR WITHOUT RIMMED VACUOLES; IBM 2; Inclusion body myopathy autosomal recessive. Identifiers: Orphanet 602, MedGen C1853926, MONDO:0011603, OMIM 605820.

Submission:

Labcorp Genetics (formerly Invitae), Labcorp
Classification: Uncertain significance for Sialuria; GNE myopathy. Last evaluated: 2025-09-29. Review status: criteria provided, single submitter. Criteria: Invitae Variant Classification Sherloc (09022015). Collection method: clinical testing. Allele origin: germline.
Comment: This sequence change replaces serine, which is neutral and polar, with glycine, which is neutral and non-polar, at codon 614 of the GNE protein (p.Ser614Gly). This variant is not present in population databases (gnomAD no frequency). This variant has not been reported in the literature in individuals affected with GNE-related conditions. Invitae Evidence Modeling of protein sequence and biophysical properties (such as structural, functional, and spatial information, amino acid conservation, physicochemical variation, residue mobility, and thermodynamic stability) has been performed for this missense variant. However, the output from this modeling did not meet the statistical confidence thresholds required to predict the impact of this variant on GNE protein function. In summary, the available evidence is currently insufficient to determine the role of this variant in disease. Therefore, it has been classified as a Variant of Uncertain Significance.